The following is an entry in ClinVar:

ClinVar aggregate classification (germline): Uncertain significance (1 of 4 stars; one submission).

Conditions:
Intellectual developmental disorder, X-linked, syndromic, Claes-Jensen type. Also called: INTELLECTUAL DEVELOPMENTAL DISORDER, X-LINKED, SYNDROMIC 16; MENTAL RETARDATION, X-LINKED, SYNDROMIC 16; Syndromic X-linked intellectual disability Claes-Jensen type. Identifiers: Orphanet 85279, MedGen C1845243, MONDO:0010355, OMIM 300534.

gnomAD v4.1: 2 of 1,208,704 alleles (0.00017%); no homozygotes.

Submission:

GeneDx
Classification: Uncertain significance. Last evaluated: 2024-07-09. Review status: criteria provided, single submitter. Criteria: GeneDx Variant Classification Process June 2021. Collection method: clinical testing. Allele origin: germline. Affected: yes.
Comment: Not observed at significant frequency in large population cohorts (gnomAD); In silico analyses support that this missense variant does not alter protein structure/function but suggest this variant may impact gene splicing; in the absence of RNA/functional studies, the actual effect of this sequence change is unknown; Has not been previously published as pathogenic or benign to our knowledge

NM_004187.5(KDM5C):c.4112A>G (p.Lys1371Arg)

Gene: KDM5C (lysine demethylase 5C; minus strand). Cytogenetic location: Xp11.22.
Variant type: single nucleotide variant.
Coding change: c.4112A>G on transcript NM_004187.5 (MANE Select); coding-DNA position 4112, A replaced by G.
Protein change: p.Lys1371Arg; replaces lysine 1371 with arginine.
Molecular consequence: missense variant. On other transcripts: non-coding transcript variant (1), intron variant (5).
Genome position (GRCh38, 1-based): chrX:53,193,778, T>C on the plus strand (A>G on the coding strand, the complement: KDM5C is on the minus strand). VCF-style: chrX-53193778-T-C. GRCh37 (hg19) VCF-style: chrX-53222960-T-C.
Other names: c.4109A>G, p.Lys1370Arg (NM_001282622.3, NM_001353979.2); c.4105+4A>G (NM_001353982.2); c.4108+4A>G (NM_001353981.2, NM_001353984.2, NM_001353978.3); c.3907+4A>G (NM_001146702.2); c.4112A>G (NM_004187.3); short protein forms K1370R, K1371R.
Identifiers: ClinVar variation 3572514 (VCV003572514.2).